The following is an entry in ClinVar:

NM_020207.7(ERCC6L2):c.1092G>A (p.Met364Ile)

Gene: ERCC6L2 (ERCC excision repair 6 like 2; plus strand). Cytogenetic location: 9q22.32.
Variant type: single nucleotide variant.
Coding change: c.1092G>A on transcript NM_020207.7 (MANE Select); coding-DNA position 1092, G replaced by A.
Protein change: p.Met364Ile; replaces methionine 364 with isoleucine.
Molecular consequence: missense variant. On other transcripts: non-coding transcript variant (1).
Genome position (GRCh38, 1-based): chr9:95,916,368, G>A. VCF-style: chr9-95916368-G-A. GRCh37 (hg19) VCF-style: chr9-98678650-G-A.
Other names: c.1092G>A, p.Met364Ile (NM_001010895.4, NM_001375291.1, NM_001375292.1 and 2 more transcripts); short protein forms M364I.
Identifiers: ClinVar variation 3845962 (VCV003845962.1).

ClinVar aggregate classification (germline): Uncertain significance (1 of 4 stars; one submission).

Conditions:
Inborn genetic diseases. Identifiers: MedGen C0950123, MeSH D030342.

Submission:

Ambry Genetics
Classification: Uncertain significance for Inborn genetic diseases. Last evaluated: 2025-02-24. Review status: criteria provided, single submitter. Criteria: Ambry Variant Classification Scheme 2023. Collection method: clinical testing. Allele origin: germline.
Comment: The p.M364I variant (also known as c.1092G>A), located in coding exon 6 of the ERCC6L2 gene, results from a G to A substitution at nucleotide position 1092. The methionine at codon 364 is replaced by isoleucine, an amino acid with highly similar properties. This amino acid position is conserved. In addition, the in silico prediction for this alteration is inconclusive. Based on the available evidence, the clinical significance of this variant remains unclear.